The following is an entry in ClinVar:

NM_148919.4(PSMB8):c.35G>T (p.Gly12Val)

Gene: PSMB8 (proteasome 20S subunit beta 8; minus strand). Cytogenetic location: 6p21.32.
Variant type: single nucleotide variant.
Coding change: c.35G>T on transcript NM_148919.4 (MANE Select); coding-DNA position 35, G replaced by T.
Protein change: p.Gly12Val; replaces glycine 12 with valine.
Molecular consequence: missense variant. On other transcripts: intron variant (1).
Genome position (GRCh38, 1-based): chr6:32,843,962, C>A on the plus strand (G>T on the coding strand, the complement: PSMB8 is on the minus strand). VCF-style: chr6-32843962-C-A. GRCh37 (hg19) VCF-style: chr6-32811739-C-A.
Other names: c.135+317G>T (NM_004159.5); short protein forms G12V.
Identifiers: ClinVar variation 1002579 (VCV001002579.11), dbSNP rs1770125566, ClinGen allele CA363589858.

ClinVar aggregate classification (germline): Uncertain significance (1 of 4 stars; one submission).

Conditions:
Proteosome-associated autoinflammatory syndrome. Also called: Proteasome-associated autoinflammatory syndrome. Identifiers: Orphanet 324977, MedGen C1850568, MONDO:0009726.

Submission:

Labcorp Genetics (formerly Invitae), Labcorp
Classification: Uncertain significance for Proteosome-associated autoinflammatory syndrome. Last evaluated: 2020-02-11. Review status: criteria provided, single submitter. Criteria: Invitae Variant Classification Sherloc (09022015). Collection method: clinical testing. Allele origin: germline.
Comment: This sequence change replaces glycine with valine at codon 12 of the PSMB8 protein (p.Gly12Val). The glycine residue is weakly conserved and there is a moderate physicochemical difference between glycine and valine. This variant is not present in population databases (ExAC no frequency). This variant has not been reported in the literature in individuals with PSMB8-related conditions. Algorithms developed to predict the effect of missense changes on protein structure and function (SIFT, PolyPhen-2, Align-GVGD) all suggest that this variant is likely to be tolerated, but these predictions have not been confirmed by published functional studies and their clinical significance is uncertain. In summary, the available evidence is currently insufficient to determine the role of this variant in disease. Therefore, it has been classified as a Variant of Uncertain Significance.